The following is an entry in ClinVar:

ClinVar aggregate classification (germline): Uncertain significance (1 of 4 stars; one submission).

Submission:

GeneDx
Classification: Uncertain significance. Last evaluated: 2023-05-26. Review status: criteria provided, single submitter. Criteria: GeneDx Variant Classification Process June 2021. Collection method: clinical testing. Allele origin: germline. Affected: yes.
Comment: Not observed at significant frequency in large population cohorts (gnomAD); In silico analysis supports that this missense variant does not alter protein structure/function; Has not been previously published as pathogenic or benign to our knowledge

NM_001366521.1(ATP2B1):c.3578G>C (p.Gly1193Ala)

Gene: ATP2B1 (ATPase plasma membrane Ca2+ transporting 1; minus strand). Cytogenetic location: 12q21.33.
Variant type: single nucleotide variant.
Coding change: c.3578G>C on transcript NM_001366521.1 (MANE Select); coding-DNA position 3578, G replaced by C.
Protein change: p.Gly1193Ala; replaces glycine 1193 with alanine.
Molecular consequence: missense variant. On other transcripts: 3 prime UTR variant (9), non-coding transcript variant (3).
Genome position (GRCh38, 1-based): chr12:89,591,069, C>G on the plus strand (G>C on the coding strand, the complement: ATP2B1 is on the minus strand). VCF-style: chr12-89591069-C-G. GRCh37 (hg19) VCF-style: chr12-89984846-C-G.
Other names: c.*201G>C (NM_001001323.2, NM_001366523.1, NM_001366528.1 and 2 more transcripts); c.3578G>C, p.Gly1193Ala (NM_001366520.1, NM_001366522.1, NM_001413046.1 and 2 more transcripts); c.3665G>C, p.Gly1222Ala (NM_001366524.1, NM_001366525.1); c.*214G>C (NM_001366526.1, NM_001366527.1, NM_001366529.1 and 1 more transcripts); c.3539G>C, p.Gly1180Ala (NM_001413048.1); c.3470G>C, p.Gly1157Ala (NM_001413049.1, NM_001413050.1); c.3437G>C, p.Gly1146Ala (NM_001413051.1, NM_001413052.1); c.3380G>C, p.Gly1127Ala (NM_001413053.1); and 5 more; short protein forms G1006A, G1042A, G1108A, G1110A, G1112A, G1127A, G1146A, G1157A.
Identifiers: ClinVar variation 3362197 (VCV003362197.1).